The following is an entry in ClinVar:

ClinVar aggregate classification (germline): Uncertain significance (1 of 4 stars; one submission).

Conditions:
Severe early-onset pulmonary alveolar proteinosis due to MARS deficiency. Also called: PULMONARY ALVEOLAR PROTEINOSIS, REUNION ISLAND; Interstitial lung and liver disease. Identifiers: Orphanet 440427, MedGen C4225400, MONDO:0014206, OMIM 615486.
Charcot-Marie-Tooth disease axonal type 2U. Also called: CHARCOT-MARIE-TOOTH NEUROPATHY, TYPE 2U; CHARCOT-MARIE-TOOTH DISEASE, AXONAL, AUTOSOMAL DOMINANT, TYPE 2U. Identifiers: Orphanet 397735, MedGen C4084821, MONDO:0014566, OMIM 616280.

Allele frequency attached by ClinVar (database versions not stated): gnomAD exomes below 0.00001; ExAC 0.00001; TOPMed 0.00001; gnomAD 0.00003; 1000 Genomes Project 0.00020; 1000 Genomes Project 30x 0.00031.
gnomAD v4.1: 8 of 1,583,476 alleles (0.00051%); highest among the groups gnomAD compares: Admixed American, 0.004%; no homozygotes.

Submission:

Labcorp Genetics (formerly Invitae), Labcorp
Classification: Uncertain significance for Charcot-Marie-Tooth disease axonal type 2U; Severe early-onset pulmonary alveolar proteinosis due to MARS deficiency. Last evaluated: 2024-01-09. Review status: criteria provided, single submitter. Criteria: Invitae Variant Classification Sherloc (09022015). Collection method: clinical testing. Allele origin: germline.
Comment: This sequence change replaces alanine, which is neutral and non-polar, with threonine, which is neutral and polar, at codon 893 of the MARS protein (p.Ala893Thr). This variant is present in population databases (rs528383629, gnomAD 0.004%). This variant has not been reported in the literature in individuals affected with MARS-related conditions. Algorithms developed to predict the effect of missense changes on protein structure and function output the following: SIFT: "Not Available"; PolyPhen-2: "Not Available"; Align-GVGD: "Not Available". The threonine amino acid residue is found in multiple mammalian species, which suggests that this missense change does not adversely affect protein function. In summary, the available evidence is currently insufficient to determine the role of this variant in disease. Therefore, it has been classified as a Variant of Uncertain Significance.

NM_004990.4(MARS1):c.2677G>A (p.Ala893Thr)

Gene: MARS1 (methionyl-tRNA synthetase 1; plus strand). Cytogenetic location: 12q13.3.
Variant type: single nucleotide variant.
Coding change: c.2677G>A on transcript NM_004990.4 (MANE Select); coding-DNA position 2677, G replaced by A.
Protein change: p.Ala893Thr; replaces alanine 893 with threonine.
Molecular consequence: missense variant.
Genome position (GRCh38, 1-based): chr12:57,516,555, G>A. VCF-style: chr12-57516555-G-A. GRCh37 (hg19) VCF-style: chr12-57910338-G-A.
Other names: short protein forms A893T.
Identifiers: ClinVar variation 2936432 (VCV002936432.3), dbSNP rs528383629, ClinGen allele CA6650921.
Genomic context (GRCh38, chr12:57,516,555, plus strand): 5'-GTGGCGAAACTCTTGGATCTAAAGAAACAGTTGGCTGTAGCTGAGGGGAAACCCCCTGAA[G>A]CCCCTAAAGGCAAGAAGAAAAAGTAAAAGACCTTGGCTCATAGAAAGTCACTTTAATAGA-3'
Protein context (NP_004981.2, residues 883-900): LAVAEGKPPE[Ala893Thr]PKGKKKK